The following is an entry in ClinVar:

NM_002397.5(MEF2C):c.517G>A (p.Ala173Thr)

Gene: MEF2C (myocyte enhancer factor 2C; minus strand). Cytogenetic location: 5q14.3.
Variant type: single nucleotide variant.
Coding change: c.517G>A on transcript NM_002397.5 (MANE Select); coding-DNA position 517, G replaced by A.
Protein change: p.Ala173Thr; replaces alanine 173 with threonine.
Molecular consequence: missense variant.
Genome position (GRCh38, 1-based): chr5:88,751,929, C>T on the plus strand (G>A on the coding strand, the complement: MEF2C is on the minus strand). VCF-style: chr5-88751929-C-T. GRCh37 (hg19) VCF-style: chr5-88047746-C-T.
Other names: c.517G>A, p.Ala173Thr (NM_001364348.2, NM_001364349.2, NM_001364350.2 and 18 more transcripts); c.511G>A, p.Ala171Thr (NM_001364352.2, NM_001131005.2, NM_001364343.2); c.139G>A, p.Ala47Thr (NM_001364353.2, NM_001364356.2); c.373G>A, p.Ala125Thr (NM_001364354.2, NM_001364355.2, NM_001193348.1 and 3 more transcripts); c.91G>A, p.Ala31Thr (NM_001364357.2); c.571G>A, p.Ala191Thr (NM_001193347.1, NM_001364338.2); short protein forms A171T, A47T, A173T, A125T, A191T, A31T.
Identifiers: ClinVar variation 2919188 (VCV002919188.3), dbSNP rs1266613767, ClinGen allele CA360423811.

ClinVar aggregate classification (germline): Uncertain significance (1 of 4 stars; one submission).

Conditions:
Neurodevelopmental disorder with hypotonia, stereotypic hand movements, and impaired language. Also called: Intellectual disability, autosomal dominant 20. Identifiers: Orphanet 228384, Orphanet 664410, MedGen C3150700, MONDO:0013266, OMIM 613443.

Allele frequency attached by ClinVar (database versions not stated): gnomAD exomes below 0.00001.
gnomAD v4.1: 1 of 1,613,910 alleles (0.000062%); highest among the groups gnomAD compares: Non-Finnish European, 0.000085%; no homozygotes.

Submission:

Labcorp Genetics (formerly Invitae), Labcorp
Classification: Uncertain significance for Neurodevelopmental disorder with hypotonia, stereotypic hand movements, and impaired language. Last evaluated: 2025-10-13. Review status: criteria provided, single submitter. Criteria: Invitae Variant Classification Sherloc (09022015). Collection method: clinical testing. Allele origin: germline.
Comment: This sequence change replaces alanine, which is neutral and non-polar, with threonine, which is neutral and polar, at codon 173 of the MEF2C protein (p.Ala173Thr). This variant is not present in population databases (gnomAD no frequency). This variant has not been reported in the literature in individuals affected with MEF2C-related conditions. ClinVar contains an entry for this variant (Variation ID: 2919188). Invitae Evidence Modeling of protein sequence and biophysical properties (such as structural, functional, and spatial information, amino acid conservation, physicochemical variation, residue mobility, and thermodynamic stability) indicates that this missense variant is not expected to disrupt MEF2C protein function with a negative predictive value of 95%. In summary, the available evidence is currently insufficient to determine the role of this variant in disease. Therefore, it has been classified as a Variant of Uncertain Significance.